The following is an entry in ClinVar:

ClinVar aggregate classification (germline): Uncertain significance. Review status: criteria provided, multiple submitters, no conflicts (2 of 4 stars). 2 submissions from 2 submitters: Uncertain significance (2). Last evaluated 2025-08-18.

Conditions:
FG syndrome (FGS). Identifiers: MedGen C0220769, MONDO:0002010.

gnomAD v4.1: 1 of 1,211,767 alleles (0.000083%); highest among the groups gnomAD compares: Non-Finnish European, 0.00011%; no homozygotes.

Submissions (2):

Labcorp Genetics (formerly Invitae), Labcorp
Classification: Uncertain significance for FG syndrome. Last evaluated: 2025-08-18. Review status: criteria provided, single submitter. Criteria: Invitae Variant Classification Sherloc (09022015). Collection method: clinical testing. Allele origin: germline.
Comment: This sequence change replaces alanine, which is neutral and non-polar, with valine, which is neutral and non-polar, at codon 202 of the MED12 protein (p.Ala202Val). This variant is not present in population databases (gnomAD no frequency). This variant has not been reported in the literature in individuals affected with MED12-related conditions. ClinVar contains an entry for this variant (Variation ID: 3730848). Invitae Evidence Modeling of protein sequence and biophysical properties (such as structural, functional, and spatial information, amino acid conservation, physicochemical variation, residue mobility, and thermodynamic stability) has been performed for this missense variant. However, the output from this modeling did not meet the statistical confidence thresholds required to predict the impact of this variant on MED12 protein function. In summary, the available evidence is currently insufficient to determine the role of this variant in disease. Therefore, it has been classified as a Variant of Uncertain Significance.

GeneDx
Classification: Uncertain significance. Last evaluated: 2025-05-16. Review status: criteria provided, single submitter. Criteria: GeneDx Variant Classification Process June 2021. Collection method: clinical testing. Allele origin: germline.
Comment: Not observed at significant frequency in large population cohorts (gnomAD); In silico analysis suggests that this missense variant does not alter protein structure/function; Has not been previously published as pathogenic or benign to our knowledge

NM_005120.3(MED12):c.605C>T (p.Ala202Val)

Gene: MED12 (mediator complex subunit 12; plus strand). Cytogenetic location: Xq13.1.
Variant type: single nucleotide variant.
Coding change: c.605C>T on transcript NM_005120.3 (MANE Select); coding-DNA position 605, C replaced by T.
Protein change: p.Ala202Val; replaces alanine 202 with valine.
Molecular consequence: missense variant.
Genome position (GRCh38, 1-based): chrX:71,121,022, C>T. VCF-style: chrX-71121022-C-T. GRCh37 (hg19) VCF-style: chrX-70340872-C-T.
Other names: short protein forms A202V.
Identifiers: ClinVar variation 3730848 (VCV003730848.3).